The following is an entry in ClinVar:

NM_001375380.1(EBF3):c.291+2del

Gene: EBF3 (EBF transcription factor 3; minus strand). Cytogenetic location: 10q26.3.
Variant type: Deletion.
Coding change: c.291+2del on transcript NM_001375380.1 (MANE Select); the canonical splice donor site of the intron after coding-DNA position 291, one base deleted (T; older notation c.291+2delT).
Molecular consequence: splice donor variant.
Genome position (GRCh38, 1-based): chr10:129,963,365, A deleted on the plus strand (T on the coding strand, the reverse complement: EBF3 is on the minus strand). VCF-style (leftmost placement, unchanged base first): chr10-129963364-TA-T. GRCh37 (hg19) VCF-style: chr10-131761628-TA-T.
Other names: c.291+2del (NM_001375392.1, NM_001005463.3, NM_001375390.1 and 3 more transcripts).
Identifiers: ClinVar variation 1032516 (VCV001032516.1), dbSNP rs1859684125, ClinGen allele CA1945005457.
Genomic context (GRCh38, chr10:129,963,364, plus strand): 5'-ACCGGCACCGCCTGCCTCCCGCTTCTAGAAAGAGAGAGGGTGTGATCGTGTGTTTGCACT[TA>T]CTTTCTCTTTCTCCACAAAGTCCACAAAAGCGGTCCTTTCAATCTCCACCGGCTGCCCCT-3'

ClinVar aggregate classification (germline): Pathogenic (1 of 4 stars; one submission).

Conditions:
Hypotonia, ataxia, and delayed development syndrome (HADDS). Also called: EBF3 Neurodevelopmental Disorder. Identifiers: Orphanet 658843, MedGen C4310618, MONDO:0015021, OMIM 617330.

Submission:

Baylor Genetics
Classification: Pathogenic for Hypotonia, ataxia, and delayed development syndrome. Last evaluated: 2018-07-19. Review status: criteria provided, single submitter. Criteria: ACMG Guidelines, 2015. Collection method: clinical testing. Allele origin: de novo. Affected: yes.
Comment: This variant was determined to be pathogenic according to ACMG Guidelines, 2015 [PMID:25741868].